The following is an entry in ClinVar:

ClinVar aggregate classification (germline): Uncertain significance (1 of 4 stars; one submission).

Submission:

Labcorp Genetics (formerly Invitae), Labcorp
Classification: Uncertain significance. Last evaluated: 2025-08-22. Review status: criteria provided, single submitter. Criteria: Invitae Variant Classification Sherloc (09022015). Collection method: clinical testing. Allele origin: germline.
Comment: This sequence change replaces lysine, which is basic and polar, with arginine, which is basic and polar, at codon 786 of the ROBO1 protein (p.Lys786Arg). This variant is not present in population databases (gnomAD no frequency). This variant has not been reported in the literature in individuals affected with ROBO1-related conditions. Invitae Evidence Modeling of protein sequence and biophysical properties (such as structural, functional, and spatial information, amino acid conservation, physicochemical variation, residue mobility, and thermodynamic stability) indicates that this missense variant is not expected to disrupt ROBO1 protein function with a negative predictive value of 95%. In summary, the available evidence is currently insufficient to determine the role of this variant in disease. Therefore, it has been classified as a Variant of Uncertain Significance.

NM_002941.4(ROBO1):c.2357A>G (p.Lys786Arg)

Gene: ROBO1 (roundabout guidance receptor 1; minus strand). Cytogenetic location: 3p12.3.
Variant type: single nucleotide variant.
Coding change: c.2357A>G on transcript NM_002941.4 (MANE Select); coding-DNA position 2357, A replaced by G.
Protein change: p.Lys786Arg; replaces lysine 786 with arginine.
Molecular consequence: missense variant.
Genome position (GRCh38, 1-based): chr3:78,659,771, T>C on the plus strand (A>G on the coding strand, the complement: ROBO1 is on the minus strand). VCF-style: chr3-78659771-T-C. GRCh37 (hg19) VCF-style: chr3-78708921-T-C.
Other names: c.2249A>G, p.Lys750Arg (NM_001145845.2, NM_133631.4); short protein forms K750R, K786R.
Identifiers: ClinVar variation 4801748 (VCV004801748.1).
Genomic context (GRCh38, chr3:78,659,771, plus strand): 5'-TGAGTGTCTTCTGGAGGTGGCTGCCAACTAACTAGAATTGCAGTTCCGTTTCCATCATTC[T>C]TGGATACAGTTACACCTTGGGGTGGGGCACTGGGTGCTATTAAATTGTTTTAAAAGGTAG-3'
Protein context (NP_002932.1, residues 776-796): SAPPQGVTVS[Lys786Arg]NDGNGTAILV